The following is an entry in ClinVar:

ClinVar aggregate classification (germline): Uncertain significance (1 of 4 stars; one submission).

gnomAD v4.1: 1 of 1,463,440 alleles (0.000068%); highest among the groups gnomAD compares: Non-Finnish European, 0.000091%; no homozygotes.

Submission:

GeneDx
Classification: Uncertain significance. Last evaluated: 2023-07-31. Review status: criteria provided, single submitter. Criteria: GeneDx Variant Classification Process June 2021. Collection method: clinical testing. Allele origin: germline. Affected: yes.
Comment: Not observed at significant frequency in large population cohorts (gnomAD); In silico analysis supports that this missense variant has a deleterious effect on protein structure/function; Has not been previously published as pathogenic or benign to our knowledge

NM_006565.4(CTCF):c.1507G>A (p.Ala503Thr)

Gene: CTCF (CCCTC-binding factor; plus strand). Cytogenetic location: 16q22.1.
Variant type: single nucleotide variant.
Coding change: c.1507G>A on transcript NM_006565.4 (MANE Select); coding-DNA position 1507, G replaced by A.
Protein change: p.Ala503Thr; replaces alanine 503 with threonine.
Molecular consequence: missense variant.
Genome position (GRCh38, 1-based): chr16:67,626,704, G>A. VCF-style: chr16-67626704-G-A. GRCh37 (hg19) VCF-style: chr16-67660607-G-A.
Other names: c.523G>A, p.Ala175Thr (NM_001191022.2); c.1507G>A, p.Ala503Thr (NM_001363916.2); short protein forms A175T, A503T.
Identifiers: ClinVar variation 3361676 (VCV003361676.1).
Genomic context (GRCh38, chr16:67,626,704, plus strand): 5'-ATCCAGCATCAGAAGTCACACAAGAATGAGAAGCGCTTTAAGTGTGACCAGTGTGATTAC[G>A]CTTGTAGACAGGTAGGAACCTTCATTGAAAGTTGTTGGTGCTTTCTCGGTGTCTGGTGTT-3'
Protein context (NP_006556.1, residues 493-513): KRFKCDQCDY[Ala503Thr]CRQERHMIMH